The following is an entry in ClinVar:

ClinVar aggregate classification (germline): Uncertain significance. Review status: criteria provided, multiple submitters, no conflicts (2 of 4 stars). 2 submissions from 2 submitters: Uncertain significance (2). Last evaluated 2025-08-10.

gnomAD v4.1: 43 of 1,536,356 alleles (0.0028%); highest among the groups gnomAD compares: African/African-American, 0.057%; no homozygotes.

Submissions (2):

Ambry Genetics
Classification: Uncertain significance. Last evaluated: 2025-08-10. Review status: criteria provided, single submitter. Criteria: Ambry Variant Classification Scheme 2023. Collection method: clinical testing. Allele origin: germline.

Women's Health and Genetics/Laboratory Corporation of America, LabCorp
Classification: Uncertain significance. Last evaluated: 2025-07-07. Review status: criteria provided, single submitter. Criteria: LabCorp Variant Classification Summary - May 2015. Collection method: clinical testing. Allele origin: germline.
Comment: Variant summary: ZFHX2 c.6222C>A (p.Ser2074Arg) results in a non-conservative amino acid change in the encoded protein sequence. Algorithms developed to predict the effect of missense changes on protein structure and function all suggest that this variant is likely to be disruptive. The variant allele was found at a frequency of 7.3e-06 in 136524 control chromosomes. The available data on variant occurrences in the general population are insufficient to allow any conclusion about variant significance. To our knowledge, no occurrence of c.6222C>A in individuals affected with Indifference to pain, congenital, autosomal dominant and no experimental evidence demonstrating its impact on protein function have been reported. No submitters have cited clinical-significance assessments for this variant to ClinVar. Based on the evidence outlined above, the variant was classified as uncertain significance.

NM_033400.3(ZFHX2):c.6222C>A (p.Ser2074Arg)

Genes: THTPA (thiamine triphosphatase; plus strand), ZFHX2 (zinc finger homeobox 2; minus strand). Cytogenetic location: 14q11.2.
Variant type: single nucleotide variant.
Coding change: c.6222C>A on transcript NM_033400.3 (MANE Select); coding-DNA position 6222, C replaced by A.
Protein change: p.Ser2074Arg; replaces serine 2074 with arginine.
Molecular consequence: missense variant.
Genome position (GRCh38, 1-based): chr14:23,523,720, G>T on the plus strand (C>A on the coding strand, the complement: ZFHX2 is on the minus strand). VCF-style: chr14-23523720-G-T. GRCh37 (hg19) VCF-style: chr14-23992929-G-T.
Other names: short protein forms S2074R.
Identifiers: ClinVar variation 4205008 (VCV004205008.2).